The following is an entry in ClinVar:

NM_001354712.2(THRB):c.1039G>C (p.Gly347Arg)

Gene: THRB (thyroid hormone receptor beta; minus strand). Cytogenetic location: 3p24.2.
Variant type: single nucleotide variant.
Coding change: c.1039G>C on transcript NM_001354712.2 (MANE Select); coding-DNA position 1039, G replaced by C.
Protein change: p.Gly347Arg; replaces glycine 347 with arginine.
Molecular consequence: missense variant. On other transcripts: intron variant (1).
Genome position (GRCh38, 1-based): chr3:24,127,604, C>G on the plus strand (G>C on the coding strand, the complement: THRB is on the minus strand). VCF-style: chr3-24127604-C-G. GRCh37 (hg19) VCF-style: chr3-24169095-C-G.
Other names: c.1039G>C, p.Gly347Arg (NM_000461.5, NM_001128176.3, NM_001128177.2 and 11 more transcripts); c.946G>C, p.Gly316Arg (NM_001354714.2, NM_001354715.2); c.973+66G>C (NM_001374827.1); short protein forms G347R, G316R.
Identifiers: ClinVar variation 4526155 (VCV004526155.1).

ClinVar aggregate classification (germline): Uncertain significance (1 of 4 stars; one submission).

Submission:

Women's Health and Genetics/Laboratory Corporation of America, LabCorp
Classification: Uncertain significance. Last evaluated: 2025-07-28. Review status: criteria provided, single submitter. Criteria: LabCorp Variant Classification Summary - May 2015. Collection method: clinical testing. Allele origin: germline.
Comment: Variant summary: THRB c.1039G>C (p.Gly347Arg) results in a non-conservative amino acid change in the encoded protein sequence. Algorithms developed to predict the effect of missense changes on protein structure and function all suggest that this variant is likely to be disruptive. The variant was absent in 251448 control chromosomes. The available data on variant occurrences in the general population are insufficient to allow any conclusion about variant significance. To our knowledge, no occurrence of c.1039G>C in individuals affected with Thyroid Hormone Resistance, Generalized, Autosomal Dominant and no experimental evidence demonstrating its impact on protein function have been reported. No submitters have cited clinical-significance assessments for this variant to ClinVar. Based on the evidence outlined above, the variant was classified as uncertain significance.